The following is an entry in ClinVar:

NM_020975.6(RET):c.1000T>C (p.Trp334Arg)

Gene: RET (ret proto-oncogene; plus strand). Cytogenetic location: 10q11.21.
Variant type: single nucleotide variant.
Coding change: c.1000T>C on transcript NM_020975.6 (MANE Select); coding-DNA position 1000, T replaced by C.
Protein change: p.Trp334Arg; replaces tryptophan 334 with arginine.
Molecular consequence: missense variant.
Genome position (GRCh38, 1-based): chr10:43,106,508, T>C. VCF-style: chr10-43106508-T-C. GRCh37 (hg19) VCF-style: chr10-43601956-T-C.
Other names: c.1000T>C, p.Trp334Arg (NM_000323.2, NM_001406743.1, NM_001406744.1 and 6 more transcripts); c.238T>C, p.Trp80Arg (NM_001355216.2); c.871T>C, p.Trp291Arg (NM_001406761.1, NM_001406762.1, NM_001406764.1 and 1 more transcripts); c.712T>C, p.Trp238Arg (NM_001406766.1, NM_001406767.1, NM_001406770.1); short protein forms W80R, W334R, W238R, W291R.
Identifiers: ClinVar variation 1505889 (VCV001505889.11), dbSNP rs2132721114, ClinGen allele CA376546325.
Genomic context (GRCh38, chr10:43,106,508, plus strand): 5'-TACACAAGCACGCTGCTCCCCGGGGACACCTGGGCCCAGCAGACCTTCCGGGTGGAACAC[T>C]GGCCCAACGAGACCTCGGTCCAGGCCAACGGCAGCTTCGTGCGGGCGACCGTACATGACT-3'
Protein context (NP_066124.1, residues 324-344): WAQQTFRVEH[Trp334Arg]PNETSVQANG

ClinVar aggregate classification (germline): Conflicting classifications of pathogenicity. Review status: criteria provided, conflicting classifications (1 of 4 stars). 2 submissions from 2 submitters: Uncertain significance (1); Likely benign (1). Last evaluated 2025-10-18.

Conditions:
Multiple endocrine neoplasia, type 2 (MEN2). Identifiers: Orphanet 653, MedGen C4048306, MONDO:0019003. Disease mechanism: gain of function.
Hereditary cancer-predisposing syndrome. Also called: Hereditary neoplastic syndrome; Tumor predisposition; Neoplastic Syndromes, Hereditary; Hereditary Cancer Syndrome. Identifiers: Orphanet 140162, MedGen C0027672, MeSH D009386, MONDO:0015356.

Allele frequency attached by ClinVar (database versions not stated): gnomAD exomes below 0.00001.
gnomAD v4.1: 1 of 1,613,760 alleles (0.000062%); highest among the groups gnomAD compares: African/African-American, 0.0013%; no homozygotes.

Submissions (2):

Labcorp Genetics (formerly Invitae), Labcorp
Classification: Uncertain significance for Multiple endocrine neoplasia, type 2. Last evaluated: 2025-10-18. Review status: criteria provided, single submitter. Criteria: Invitae Variant Classification Sherloc (09022015). Collection method: clinical testing. Allele origin: germline.
Comment: This sequence change replaces tryptophan, which is neutral and slightly polar, with arginine, which is basic and polar, at codon 334 of the RET protein (p.Trp334Arg). This variant is not present in population databases (gnomAD no frequency). This variant has not been reported in the literature in individuals affected with RET-related conditions. ClinVar contains an entry for this variant (Variation ID: 1505889). An algorithm developed to predict the effect of missense changes on protein structure and function (PolyPhen-2) suggests that this variant is likely to be tolerated. In summary, the available evidence is currently insufficient to determine the role of this variant in disease. Therefore, it has been classified as a Variant of Uncertain Significance.

Ambry Genetics
Classification: Likely benign for Hereditary cancer-predisposing syndrome. Last evaluated: 2025-09-16. Review status: criteria provided, single submitter. Criteria: Ambry Variant Classification Scheme 2023. Collection method: clinical testing. Allele origin: germline.